The following is an entry in ClinVar:

NM_000492.4(CFTR):c.2026C>T (p.Pro676Ser)

Gene: CFTR (CF transmembrane conductance regulator; plus strand). Cytogenetic location: 7q31.2.
Variant type: single nucleotide variant.
Coding change: c.2026C>T on transcript NM_000492.4 (MANE Select); coding-DNA position 2026, C replaced by T.
Protein change: p.Pro676Ser; replaces proline 676 with serine.
Molecular consequence: missense variant.
Genome position (GRCh38, 1-based): chr7:117,592,193, C>T. VCF-style: chr7-117592193-C-T. GRCh37 (hg19) VCF-style: chr7-117232247-C-T.
Other names: short protein forms P676S.
Identifiers: ClinVar variation 1784658 (VCV001784658.3), dbSNP rs762888022, ClinGen allele CA4451130.

ClinVar aggregate classification (germline): Conflicting classifications of pathogenicity. Review status: criteria provided, conflicting classifications (1 of 4 stars). 2 submissions from 2 submitters: Uncertain significance (1); Likely benign (1). Last evaluated 2024-01-10.

Conditions:
Cystic fibrosis (CF). Also called: MUCOVISCIDOSIS. Identifiers: Orphanet 586, MedGen C0010674, MONDO:0009061, OMIM 219700. Disease mechanism: loss of function.

Allele frequency attached by ClinVar (database versions not stated): gnomAD 0.00001.
gnomAD v4.1: 11 of 1,613,688 alleles (0.00068%); highest among the groups gnomAD compares: Non-Finnish European, 0.00085%; no homozygotes.

Submissions (2):

Ambry Genetics
Classification: Likely benign for Cystic fibrosis. Last evaluated: 2024-01-10. Review status: criteria provided, single submitter. Criteria: Ambry Variant Classification Scheme 2023. Collection method: clinical testing. Allele origin: germline.

Quest Diagnostics Nichols Institute San Juan Capistrano
Classification: Uncertain significance. Last evaluated: 2023-07-12. Review status: criteria provided, single submitter. Criteria: Quest Diagnostics criteria. Collection method: clinical testing. Allele origin: unknown.
Comment: The CFTR c.2026C>T (p.Pro676Ser) variant, to the best of our knowledge, has not been reported in the published literature. The frequency of this variant in the general population, 0.000012 (3/249756 chromosomes (Genome Aggregation Database)), is uninformative in the assessment of its pathogenicity. Analysis of this variant using bioinformatics tools for the prediction of the effect of amino acid changes on protein structure and function yielded predictions that this variant is benign. Based on the available information, we are unable to determine the clinical significance of this variant.